The following is an entry in ClinVar:

NM_001256864.2(DNAJC6):c.2212G>A (p.Asp738Asn)

Gene: DNAJC6 (DnaJ heat shock protein family (Hsp40) member C6; plus strand). Cytogenetic location: 1p31.3.
Variant type: single nucleotide variant.
Coding change: c.2212G>A on transcript NM_001256864.2 (MANE Select); coding-DNA position 2212, G replaced by A.
Protein change: p.Asp738Asn; replaces aspartic acid 738 with asparagine.
Molecular consequence: missense variant.
Genome position (GRCh38, 1-based): chr1:65,401,865, G>A. VCF-style: chr1-65401865-G-A. GRCh37 (hg19) VCF-style: chr1-65867548-G-A.
Other names: c.2002G>A, p.Asp668Asn (NM_001256865.2); c.2041G>A, p.Asp681Asn (NM_014787.4); short protein forms D668N, D681N, D738N.
Identifiers: ClinVar variation 1398584 (VCV001398584.5), dbSNP rs140156759, ClinGen allele CA894106.
Genomic context (GRCh38, chr1:65,401,865, plus strand): 5'-GGATCCTCGCATGGTACTCCCACCCATCAAAGCAAACCCCAGACTCTGGATCCTTTTGCC[G>A]ACCTTGGGACACTAGGTACAAACTCAGAAGATCAAGATACAAATAACATTTATTTATAGC-3'
Protein context (NP_001243793.1, residues 728-748): SKPQTLDPFA[Asp738Asn]LGTLGSSSFA

ClinVar aggregate classification (germline): Uncertain significance (1 of 4 stars; one submission).

Conditions:
Juvenile onset Parkinson disease 19A. Also called: PARK19; DNAJC6 Parkinson Disease. Identifiers: Orphanet 391411, MedGen C3809811, MONDO:0014231, OMIM 615528.

Allele frequency attached by ClinVar (database versions not stated): gnomAD 0.00003 and 0.00004; ESP Exome Variant Server 0.00008; ExAC 0.00001; gnomAD exomes 0.00002.
gnomAD v4.1: 41 of 1,613,306 alleles (0.0025%); highest among the groups gnomAD compares: East Asian, 0.0089%; no homozygotes.

Submission:

Labcorp Genetics (formerly Invitae), Labcorp
Classification: Uncertain significance for Juvenile onset Parkinson disease 19A. Last evaluated: 2022-10-10. Review status: criteria provided, single submitter. Criteria: Invitae Variant Classification Sherloc (09022015). Collection method: clinical testing. Allele origin: germline.
Comment: This sequence change replaces aspartic acid, which is acidic and polar, with asparagine, which is neutral and polar, at codon 738 of the DNAJC6 protein (p.Asp738Asn). In summary, the available evidence is currently insufficient to determine the role of this variant in disease. Therefore, it has been classified as a Variant of Uncertain Significance. Algorithms developed to predict the effect of missense changes on protein structure and function are either unavailable or do not agree on the potential impact of this missense change (SIFT: "Deleterious"; PolyPhen-2: "Probably Damaging"; Align-GVGD: "Class C0"). ClinVar contains an entry for this variant (Variation ID: 1398584). This variant has not been reported in the literature in individuals affected with DNAJC6-related conditions. This variant is present in population databases (rs140156759, gnomAD 0.02%).